The following is an entry in ClinVar:

NM_001141980.3(TP53BP1):c.5490T>C (p.Cys1830=)

Genes: TP53BP1 (tumor protein p53 binding protein 1; minus strand), TUBGCP4 (tubulin gamma complex component 4; plus strand). Cytogenetic location: 15q15.3.
Variant type: single nucleotide variant.
Coding change: c.5490T>C on transcript NM_001141980.3 (MANE Select); coding-DNA position 5490, T replaced by C.
Protein change: p.Cys1830=; no amino-acid change (cysteine 1830 retained).
Molecular consequence: synonymous variant. On other transcripts: 3 prime UTR variant (2).
Genome position (GRCh38, 1-based): chr15:43,409,007, A>G on the plus strand (T>C on the coding strand, the complement: TP53BP1 is on the minus strand). VCF-style: chr15-43409007-A-G. GRCh37 (hg19) VCF-style: chr15-43701205-A-G.
Other names: c.*3793A>G (NM_001286414.3, NM_014444.5); c.5484T>C, p.Cys1828= (NM_001141979.3); c.2610T>C, p.Cys870= (NM_001355001.2); c.5340T>C, p.Cys1780= (NM_001411050.1); c.5475T>C, p.Cys1825= (NM_005657.4).
Identifiers: ClinVar variation 770785 (VCV000770785.17), dbSNP rs61757239, ClinGen allele CA7524404.
Genomic context (GRCh38, chr15:43,409,007, plus strand): 5'-ATTACGGTAGTTCTGGAGCTGGTTGGCATGGCAACTATCATGGACCCAGACATGAGACAC[A>G]CAAGGAATCCCACTGGCAAGGCACAGGAAGTACTTCCGGGTTCGACAATGCTGATCCGCA-3'
Protein context (NP_001135452.1, residues 1820-1840): YFLCLASGIP[Cys1830=]VSHVWVHDSC

ClinVar aggregate classification (germline): Likely benign. Review status: criteria provided, multiple submitters, no conflicts (2 of 4 stars). 2 submissions from 2 submitters: Likely benign (2). Last evaluated 2026-01-01.

Allele frequency attached by ClinVar (database versions not stated): 1000 Genomes Project 30x 0.00016; 1000 Genomes Project 0.00020; TOPMed 0.00090; gnomAD 0.00106; gnomAD exomes 0.00111 and 0.00129; ExAC 0.00126; ESP Exome Variant Server 0.00162.
gnomAD v4.1: 2,012 of 1,614,180 alleles (0.12%); highest among the groups gnomAD compares: Non-Finnish European, 0.15%; 4 homozygotes.

Submissions (2):

CeGaT Center for Human Genetics Tuebingen
Classification: Likely benign. Last evaluated: 2026-01-01. Review status: criteria provided, single submitter. Criteria: CeGaT Center For Human Genetics Tuebingen Variant Classification Criteria Version 2. Collection method: clinical testing. Allele origin: germline. Affected: yes. Observed: 2 variant alleles.
Comment: TP53BP1: BP4

Labcorp Genetics (formerly Invitae), Labcorp
Classification: Likely benign. Last evaluated: 2018-05-21. Review status: criteria provided, single submitter. Criteria: Invitae Variant Classification Sherloc (09022015). Collection method: clinical testing. Allele origin: germline.